The following is an entry in ClinVar:

ClinVar aggregate classification (germline): Uncertain significance (1 of 4 stars; one submission).

gnomAD v4.1: 3 of 1,613,980 alleles (0.00019%); highest among the groups gnomAD compares: African/African-American, 0.0013%; no homozygotes.

Submission:

Labcorp Genetics (formerly Invitae), Labcorp
Classification: Uncertain significance. Last evaluated: 2025-01-08. Review status: criteria provided, single submitter. Criteria: Invitae Variant Classification Sherloc (09022015). Collection method: clinical testing. Allele origin: germline.
Comment: This sequence change replaces threonine, which is neutral and polar, with alanine, which is neutral and non-polar, at codon 311 of the DEAF1 protein (p.Thr311Ala). This variant is not present in population databases (gnomAD no frequency). This variant has not been reported in the literature in individuals affected with DEAF1-related conditions. Invitae Evidence Modeling of protein sequence and biophysical properties (such as structural, functional, and spatial information, amino acid conservation, physicochemical variation, residue mobility, and thermodynamic stability) indicates that this missense variant is not expected to disrupt DEAF1 protein function with a negative predictive value of 95%. In summary, the available evidence is currently insufficient to determine the role of this variant in disease. Therefore, it has been classified as a Variant of Uncertain Significance.

NM_021008.4(DEAF1):c.931A>G (p.Thr311Ala)

Gene: DEAF1 (DEAF1 transcription factor; minus strand). Cytogenetic location: 11p15.5.
Variant type: single nucleotide variant.
Coding change: c.931A>G on transcript NM_021008.4 (MANE Select); coding-DNA position 931, A replaced by G.
Protein change: p.Thr311Ala; replaces threonine 311 with alanine.
Molecular consequence: missense variant. On other transcripts: intron variant (1).
Genome position (GRCh38, 1-based): chr11:681,029, T>C on the plus strand (A>G on the coding strand, the complement: DEAF1 is on the minus strand). VCF-style: chr11-681029-T-C. GRCh37 (hg19) VCF-style: chr11-681029-T-C.
Other names: c.205A>G, p.Thr69Ala (NM_001367390.1, NM_001440885.1, NM_001440886.1 and 1 more transcripts); c.931A>G, p.Thr311Ala (NM_001440883.1, NM_001440884.1); c.731-1213A>G (NM_001293634.2); short protein forms T311A, T69A.
Identifiers: ClinVar variation 3615750 (VCV003615750.2).